The following is an entry in ClinVar:

NM_020893.6(CCDC180):c.1038C>G (p.Asn346Lys)

Genes: CCDC180 (coiled-coil domain containing 180; plus strand), SUGT1P4-STRA6LP-CCDC180 (SUGT1P4-STRA6LP-CCDC180 readthrough; plus strand). Cytogenetic location: 9q22.33.
Variant type: single nucleotide variant.
Coding change: c.1038C>G on transcript NM_020893.6 (MANE Select); coding-DNA position 1038, C replaced by G.
Protein change: p.Asn346Lys; replaces asparagine 346 with lysine.
Molecular consequence: missense variant. On other transcripts: non-coding transcript variant (3).
Genome position (GRCh38, 1-based): chr9:97,318,541, C>G. VCF-style: chr9-97318541-C-G. GRCh37 (hg19) VCF-style: chr9-100080823-C-G.
Other names: c.1029C>G, p.Asn343Lys (NM_001348010.4); short protein forms N343K, N346K.
Identifiers: ClinVar variation 2499096 (VCV002499096.28), dbSNP rs146069415, ClinGen allele CA5145175.

ClinVar aggregate classification (germline): Likely benign (1 of 4 stars; one submission).

Allele frequency attached by ClinVar (database versions not stated): 1000 Genomes Project 30x 0.00203; 1000 Genomes Project 0.00220; gnomAD 0.00308; TOPMed 0.00360; ESP Exome Variant Server 0.00415.
gnomAD v4.1: 6,792 of 1,613,604 alleles (0.42%); highest among the groups gnomAD compares: Middle Eastern, 0.71%; 27 homozygotes.

Submission:

CeGaT Center for Human Genetics Tuebingen
Classification: Likely benign. Last evaluated: 2023-02-01. Review status: criteria provided, single submitter. Criteria: CeGaT Center For Human Genetics Tuebingen Variant Classification Criteria Version 2. Collection method: clinical testing. Allele origin: germline. Affected: yes. Observed: 1 variant allele.
Comment: CCDC180: BP4, BS2